The following is an entry in ClinVar:

NM_000383.4(AIRE):c.1095+5G>T

Gene: AIRE (autoimmune regulator; plus strand). Cytogenetic location: 21q22.3.
Variant type: single nucleotide variant.
Coding change: c.1095+5G>T on transcript NM_000383.4 (MANE Select); 5 bases into the intron after coding-DNA position 1095, G replaced by T.
Molecular consequence: intron variant.
Genome position (GRCh38, 1-based): chr21:44,292,406, G>T. VCF-style: chr21-44292406-G-T. GRCh37 (hg19) VCF-style: chr21-45712289-G-T.
Other names: c.1095+5G>T (LRG_18t1).
Identifiers: ClinVar variation 387103 (VCV000387103.8), dbSNP rs1057522692, ClinGen allele CA16609070.
Genomic context (GRCh38, chr21:44,292,406, plus strand): 5'-AGGTGCAGCCCCGGGCAGAGGAGCCCCGGCCCCAGGAGCCACCCGTGGAGACCCCGGTAT[G>T]GCCACGCCCCCTCCTAGCCGGGCCACCCCTCCTGTCCACATGGCCACGCCCCCTCCTAGG-3'

ClinVar aggregate classification (germline): Uncertain significance. Review status: criteria provided, multiple submitters, no conflicts (2 of 4 stars). 3 submissions from 3 submitters: Uncertain significance (2). 1 of the submissions does not count toward it. Last evaluated 2024-08-07.

Conditions:
Polyglandular autoimmune syndrome, type 1 (APS1). Also called: Autoimmune polyendocrinopathy syndrome , type I, with or without reversible metaphyseal dysplasia; APS I; Autoimmune polyendocrine syndrome type 1; PGA I; AUTOIMMUNE POLYENDOCRINE SYNDROME, TYPE I, WITH OR WITHOUT REVERSIBLE METAPHYSEAL DYSPLASIA; HYPOADRENOCORTICISM WITH HYPOPARATHYROIDISM AND SUPERFICIAL MONILIASIS. Identifiers: Orphanet 3453, MedGen C0085859, MONDO:0009411, OMIM 240300.

Allele frequency attached by ClinVar (database versions not stated): gnomAD 0.00001; gnomAD exomes 0.00001 and 0.00003; TOPMed 0.00001.
gnomAD v4.1: 10 of 1,546,624 alleles (0.00065%); highest among the groups gnomAD compares: Non-Finnish European, 0.00079%; no homozygotes.

Submissions (3):

Labcorp Genetics (formerly Invitae), Labcorp
Classification: Uncertain significance for Polyglandular autoimmune syndrome, type 1. Last evaluated: 2024-08-07. Review status: criteria provided, single submitter. Criteria: Invitae Variant Classification Sherloc (09022015). Collection method: clinical testing. Allele origin: germline.
Comment: This sequence change falls in intron 9 of the AIRE gene. It does not directly change the encoded amino acid sequence of the AIRE protein. It affects a nucleotide within the consensus splice site. This variant is present in population databases (no rsID available, gnomAD 0.008%). This variant has not been reported in the literature in individuals affected with AIRE-related conditions. ClinVar contains an entry for this variant (Variation ID: 387103). Variants that disrupt the consensus splice site are a relatively common cause of aberrant splicing (PMID: 17576681, 9536098). Algorithms developed to predict the effect of sequence changes on RNA splicing suggest that this variant may disrupt the consensus splice site. In summary, the available evidence is currently insufficient to determine the role of this variant in disease. Therefore, it has been classified as a Variant of Uncertain Significance.

GeneDx
Classification: Uncertain significance. Last evaluated: 2019-12-06. Review status: criteria provided, single submitter. Criteria: GeneDx Variant Classification Process June 2021. Collection method: clinical testing. Allele origin: germline. Affected: yes.
Comment: In silico analysis, which includes splice predictors and evolutionary conservation, supports a deleterious effect; Has not been previously published as pathogenic or benign to our knowledge

Natera, Inc.
Classification: Uncertain significance for Polyglandular autoimmune syndrome type 1. Last evaluated: 2020-08-03. Review status: no assertion criteria provided. Collection method: clinical testing. Allele origin: germline. Not counted in ClinVar's aggregate classification.

Literature cited by the submitters: PubMed 17576681 (cited by Labcorp Genetics (formerly Invitae), Labcorp); PubMed 9536098 (cited by Labcorp Genetics (formerly Invitae), Labcorp).